The following is an entry in ClinVar:

ClinVar aggregate classification (germline): Conflicting classifications of pathogenicity. Review status: criteria provided, conflicting classifications (1 of 4 stars). 2 submissions from 2 submitters: Uncertain significance (1); Likely benign (1). Last evaluated 2025-08-04.

Conditions:
Familial adenomatous polyposis 1 (FAP1). Also called: FAMILIAL ADENOMATOUS POLYPOSIS 1, ATTENUATED; POLYPOSIS, ADENOMATOUS INTESTINAL. Identifiers: MedGen C2713442, MONDO:0021056, OMIM 175100. Disease mechanism: loss of function.

Allele frequency attached by ClinVar (database versions not stated): gnomAD 0.00001; 1000 Genomes Project 30x 0.00031.
gnomAD v4.1: 4 of 1,096,980 alleles (0.00036%); highest among the groups gnomAD compares: African/African-American, 0.0016%; no homozygotes.

Submissions (2):

Labcorp Genetics (formerly Invitae), Labcorp
Classification: Uncertain significance for Familial adenomatous polyposis 1. Last evaluated: 2025-08-04. Review status: criteria provided, single submitter. Criteria: Invitae Variant Classification Sherloc (09022015). Collection method: clinical testing. Allele origin: germline.
Comment: This variant occurs in a non-coding region of the APC gene. It does not change the encoded amino acid sequence of the APC protein. This variant is not present in population databases (gnomAD no frequency). This variant has not been reported in the literature in individuals affected with APC-related conditions. ClinVar contains an entry for this variant (Variation ID: 537676). Experimental studies and prediction algorithms are not available or were not evaluated, and the functional significance of this variant is currently unknown. In summary, the available evidence is currently insufficient to determine the role of this variant in disease. Therefore, it has been classified as a Variant of Uncertain Significance.

Center for Genomic Medicine, Rigshospitalet, Copenhagen University Hospital
Classification: Likely benign. Last evaluated: 2025-03-04. Review status: criteria provided, single submitter. Criteria: ACMG Guidelines, 2015. Collection method: clinical testing. Allele origin: germline.

NM_001127511.3(APC):c.-123C>T

Gene: APC (APC regulator of Wnt signaling pathway; plus strand). Cytogenetic location: 5q22.2.
Variant type: single nucleotide variant.
Coding change: c.-123C>T on transcript NM_001127511.3; 123 bases upstream of the start codon, C replaced by T.
Molecular consequence: 5 prime UTR variant. On other transcripts: non-coding transcript variant (2).
Genome position (GRCh38, 1-based): chr5:112,707,595, C>T. VCF-style: chr5-112707595-C-T. GRCh37 (hg19) VCF-style: chr5-112043292-C-T.
Other names: c.-306C>T (NM_001354895.2, NM_001407447.1, NM_001407452.1 and 3 more transcripts); c.-123C>T (NM_001354897.2, NM_001354902.2, NM_001407446.1); c.-73C>T (NM_001407448.1, NM_001407450.1, NM_001407457.1 and 1 more transcripts); c.-97C>T (NM_001407453.1); c.-1341C>T (NM_001407470.1, NM_001407472.1).
Identifiers: ClinVar variation 537676 (VCV000537676.10), dbSNP rs185346146, ClinGen allele CA124925015.